The following is an entry in ClinVar:

NM_001127453.2(GSDME):c.766G>A (p.Asp256Asn)

Gene: GSDME (gasdermin E; minus strand). Cytogenetic location: 7p15.3.
Variant type: single nucleotide variant.
Coding change: c.766G>A on transcript NM_001127453.2 (MANE Select); coding-DNA position 766, G replaced by A.
Protein change: p.Asp256Asn; replaces aspartic acid 256 with asparagine.
Molecular consequence: missense variant.
Genome position (GRCh38, 1-based): chr7:24,710,320, C>T on the plus strand (G>A on the coding strand, the complement: GSDME is on the minus strand). VCF-style: chr7-24710320-C-T. GRCh37 (hg19) VCF-style: chr7-24749939-C-T.
Other names: c.274G>A, p.Asp92Asn (NM_001127454.2); c.766G>A, p.Asp256Asn (NM_004403.3); short protein forms D256N, D92N.
Identifiers: ClinVar variation 359847 (VCV000359847.34), dbSNP rs763468767, ClinGen allele CA4191572.

ClinVar aggregate classification (germline): Conflicting classifications of pathogenicity. Review status: criteria provided, conflicting classifications (1 of 4 stars). 2 submissions from 2 submitters: Uncertain significance (1); Likely benign (1). Last evaluated 2023-10-01.

Conditions:
Autosomal dominant nonsyndromic hearing loss 5. Identifiers: Orphanet 90635, MedGen C1832932, MONDO:0010973, OMIM 600994.

Allele frequency attached by ClinVar (database versions not stated): gnomAD 0.00001; TOPMed 0.00001; ExAC 0.00002; gnomAD exomes 0.00002 and 0.00005.
gnomAD v4.1: 68 of 1,614,122 alleles (0.0042%); highest among the groups gnomAD compares: Non-Finnish European, 0.0055%; no homozygotes.

Submissions (2):

CeGaT Center for Human Genetics Tuebingen
Classification: Likely benign. Last evaluated: 2023-10-01. Review status: criteria provided, single submitter. Criteria: CeGaT Center For Human Genetics Tuebingen Variant Classification Criteria Version 2. Collection method: clinical testing. Allele origin: germline. Affected: yes. Observed: 2 variant alleles.
Comment: GSDME: BP4

Illumina Laboratory Services, Illumina
Classification: Uncertain significance for Autosomal dominant nonsyndromic hearing loss 5. Last evaluated: 2018-01-12. Review status: criteria provided, single submitter. Criteria: ICSL Variant Classification Criteria 13 December 2019. Collection method: clinical testing. Allele origin: germline.